The following is an entry in ClinVar:

NC_000005.9:g.(?_78251098)_(78265035_?)del

Gene: ARSB (arylsulfatase B; minus strand). Cytogenetic location: 5q14.1.
Variant type: Deletion.
Identifiers: ClinVar variation 3246276 (VCV003246276.1).

ClinVar aggregate classification (germline): Pathogenic (1 of 4 stars; one submission).

Conditions:
Mucopolysaccharidosis type 6 (MPS6). Also called: MPS 6; Maroteaux Lamy syndrome; ARSB DEFICIENCY; ARYLSULFATASE B DEFICIENCY; N-ACETYLGALACTOSAMINE-4-SULFATASE DEFICIENCY; MPS VI. Identifiers: Orphanet 583, MedGen C0026709, MONDO:0009661, OMIM 253200.

Submission:

Labcorp Genetics (formerly Invitae), Labcorp
Classification: Pathogenic for Mucopolysaccharidosis type 6. Last evaluated: 2023-10-19. Review status: criteria provided, single submitter. Criteria: Invitae Variant Classification Sherloc (09022015). Collection method: clinical testing. Allele origin: unknown.
Comment: This variant is a gross deletion of the genomic region encompassing exon(s) 2-4 of the ARSB gene. This deletion is out-of-frame, and is expected to create a premature termination codon and result in an absent or disrupted protein product. Loss-of-function variants in ARSB are known to be pathogenic (PMID: 17458871, 22133300). This variant has not been reported in the literature in individuals affected with ARSB-related conditions. For these reasons, this variant has been classified as Pathogenic.

Literature cited by the submitters: PubMed 17458871; PubMed 22133300.